The following is an entry in ClinVar:

ClinVar aggregate classification (germline): Likely pathogenic (1 of 4 stars; one submission).

Conditions:
Autosomal dominant nocturnal frontal lobe epilepsy 3. Also called: CHRNB2-Related Nocturnal Frontal Lobe Epilepsy, Autosomal Dominant. Identifiers: Orphanet 98784, MedGen C1854335, MONDO:0011545, OMIM 605375.

Submission:

Baylor Genetics
Classification: Likely pathogenic for Autosomal dominant nocturnal frontal lobe epilepsy 3. Last evaluated: 2019-12-04. Review status: criteria provided, single submitter. Criteria: ACMG Guidelines, 2015. Collection method: clinical testing. Allele origin: de novo. Affected: yes.
Comment: This variant was determined to be likely pathogenic according to ACMG Guidelines, 2015 [PMID:25741868].

NM_000748.3(CHRNB2):c.845T>A (p.Leu282His)

Gene: CHRNB2 (cholinergic receptor nicotinic beta 2 subunit; plus strand). Cytogenetic location: 1q21.3.
Variant type: single nucleotide variant.
Coding change: c.845T>A on transcript NM_000748.3 (MANE Select); coding-DNA position 845, T replaced by A.
Protein change: p.Leu282His; replaces leucine 282 with histidine.
Molecular consequence: missense variant.
Genome position (GRCh38, 1-based): chr1:154,571,668, T>A. VCF-style: chr1-154571668-T-A. GRCh37 (hg19) VCF-style: chr1-154544144-T-A.
Other names: short protein forms L282H.
Identifiers: ClinVar variation 1030889 (VCV001030889.1), dbSNP rs1696167453, ClinGen allele CA342630955.